The following is an entry in ClinVar:

NM_000094.4(COL7A1):c.2791_2796delinsAC (p.Arg931fs)

Gene: COL7A1 (collagen type VII alpha 1 chain; minus strand). Cytogenetic location: 3p21.31.
Variant type: Indel.
Coding change: c.2791_2796delinsAC on transcript NM_000094.4 (MANE Select); coding-DNA positions 2791 to 2796, CGCGTG replaced by AC.
Protein change: p.Arg931fs; shifts the reading frame from arginine 931.
Molecular consequence: frameshift variant.
Genome position (GRCh38, 1-based): chr3:48,587,854-48,587,859, CACGCG replaced by GT on the plus strand (CGCGTG replaced by AC on the coding strand, the reverse complement: COL7A1 is on the minus strand). VCF-style: chr3-48587854-CACGCG-GT. GRCh37 (hg19) VCF-style: chr3-48625287-CACGCG-GT.
Other names: c.2791_2796delCGCGTGinsAC, p.Arg931Thrfs (NM_000094.3); short protein forms R931fs.
Identifiers: ClinVar variation 4994666 (VCV004994666.2).

ClinVar aggregate classification (germline): Pathogenic. Review status: criteria provided, multiple submitters, no conflicts (2 of 4 stars). 2 submissions from 2 submitters: Pathogenic (2). Last evaluated 2026-06-17.

Conditions:
COL7A1-related disorder. Also called: COL7A1-related condition; COL7A1- related disorders.
Recessive dystrophic epidermolysis bullosa (RDEB). Also called: DYSTROPHIC EPIDERMOLYSIS BULLOSA, AUTOSOMAL RECESSIVE; EPIDERMOLYSIS BULLOSA DYSTROPHICA, HALLOPEAU-SIEMENS TYPE; Hallopeau-Siemens Disease; severe generalized recessive dystrophic epidermolysis bullosa; EPIDERMOLYSIS BULLOSA DYSTROPHICA, GENERALIZED SEVERE, AUTOSOMAL RECESSIVE; Epidermolysis Bullosa Distrophica Autosomal Recessive (RDEB). Identifiers: Orphanet 79408, Orphanet 79409, MedGen C0079474, MONDO:0009179, OMIM 226600.

Submissions (2):

PreventionGenetics, part of Exact Sciences
Classification: Pathogenic for COL7A1-related condition. Last evaluated: 2026-06-17. Review status: criteria provided, single submitter. Criteria: ACMG Guidelines, 2015. Collection method: clinical testing. Allele origin: germline.
Comment: The COL7A1 c.2791_2796delinsAC variant is predicted to result in a frameshift and premature protein termination (p.Arg931Thrfs*3). This variant has been reported in an individual with autosomal recessive dystrophic epidermolysis bullosa (Kern et al. 2009. PubMed ID: 19681861). This variant has not been reported in a large population database (gnomAD), indicating this variant is rare. Frameshift variants in COL7A1 are expected to be pathogenic. This variant is interpreted as pathogenic.

Myriad Genetics, Inc.
Classification: Pathogenic for Recessive dystrophic epidermolysis bullosa. Last evaluated: 2026-04-30. Review status: criteria provided, single submitter. Criteria: Myriad Autosomal Dominant, Autosomal Recessive and X-Linked Classification Criteria (2023). Collection method: clinical testing. Allele origin: unknown.
Comment: NM_000094.3(COL7A1):c.2791_2796del6ins2(R931Tfs*3) is expected to be pathogenic in the context of dystrophic epidermolysis bullosa. This variant is predicted to lead to an abnormal or absent protein product due to the creation of a premature termination codon in COL7A1, a gene where loss-of-function variants are known to be pathogenic. Please note: this variant was assessed in the context of healthy population screening.